The following is an entry in ClinVar:

NM_014915.3(ANKRD26):c.4403A>C (p.Asn1468Thr)

Gene: ANKRD26 (ankyrin repeat domain 26; minus strand). Cytogenetic location: 10p12.1.
Variant type: single nucleotide variant.
Coding change: c.4403A>C on transcript NM_014915.3 (MANE Select); coding-DNA position 4403, A replaced by C.
Protein change: p.Asn1468Thr; replaces asparagine 1468 with threonine.
Molecular consequence: missense variant.
Genome position (GRCh38, 1-based): chr10:27,017,605, T>G on the plus strand (A>C on the coding strand, the complement: ANKRD26 is on the minus strand). VCF-style: chr10-27017605-T-G. GRCh37 (hg19) VCF-style: chr10-27306534-T-G.
Other names: c.4400A>C, p.Asn1467Thr (NM_001256053.2); short protein forms N1467T, N1468T.
Identifiers: ClinVar variation 4859708 (VCV004859708.1).

ClinVar aggregate classification (germline): Uncertain significance (1 of 4 stars; one submission).

Conditions:
Inborn genetic diseases. Identifiers: MedGen C0950123, MeSH D030342.

Submission:

Ambry Genetics
Classification: Uncertain significance for Inborn genetic diseases. Last evaluated: 2026-05-14. Review status: criteria provided, single submitter. Criteria: Ambry Variant Classification Scheme 2023. Collection method: clinical testing. Allele origin: germline.
Comment: The p.N1468T variant (also known as c.4403A>C), located in coding exon 30 of the ANKRD26 gene, results from an A to C substitution at nucleotide position 4403. The asparagine at codon 1468 is replaced by threonine, an amino acid with similar properties. This amino acid position is conserved. In addition, this alteration is predicted to be tolerated by in silico analysis. Based on the available evidence, the clinical significance of this variant remains unclear.